The following is an entry in ClinVar:

ClinVar aggregate classification (germline): Uncertain significance (0 of 4 stars; one submission).

Conditions:
Gray platelet syndrome (GPS). Also called: BLEEDING DISORDER, PLATELET-TYPE, 4. Identifiers: Orphanet 721, MedGen C0272302, MONDO:0007686, OMIM 139090.

Allele frequency attached by ClinVar (database versions not stated): gnomAD exomes below 0.00001 and 0.00002; gnomAD 0.00002 and 0.00003; TOPMed 0.00002.
gnomAD v4.1: 33 of 1,612,512 alleles (0.002%); highest among the groups gnomAD compares: African/African-American, 0.0027%; no homozygotes.

Submission:

ISTH-SSC Genomics in Thrombosis and Hemostasis, KU Leuven, Center for Molecular and Vascular Biology
Classification: Uncertain significance for Gray platelet syndrome. Review status: no assertion criteria provided. Collection method: research. Allele origin: unknown. Affected: yes.
Comment: Submitted to GoldVariant by Neil Morgan from Birmingham Platelet Group, Birmingham, UK

NM_015175.3(NBEAL2):c.6631G>A (p.Asp2211Asn)

Gene: NBEAL2 (neurobeachin like 2; plus strand). Cytogenetic location: 3p21.31.
Variant type: single nucleotide variant.
Coding change: c.6631G>A on transcript NM_015175.3 (MANE Select); coding-DNA position 6631, G replaced by A.
Protein change: p.Asp2211Asn; replaces aspartic acid 2211 with asparagine.
Molecular consequence: missense variant.
Genome position (GRCh38, 1-based): chr3:47,005,559, G>A. VCF-style: chr3-47005559-G-A. GRCh37 (hg19) VCF-style: chr3-47047049-G-A.
Other names: c.6529G>A, p.Asp2177Asn (NM_001365116.2); short protein forms D2177N, D2211N.
Identifiers: ClinVar variation 1684435 (VCV001684435.1), dbSNP rs781499875, ClinGen allele CA73824592.
Genomic context (GRCh38, chr3:47,005,559, plus strand): 5'-TCCGACCGGCAGTTCCACTCGGTGGCGGCAGCCTGGCAGGCACGCCTGGAGAGCCCTGCC[G>A]ATGTGAAGGAGCTCATCCCGGAATTCTTCTACTTTCCTGACTTCCTGGAGAACCAGAACG-3'
Protein context (NP_055990.1, residues 2201-2221): AWQARLESPA[Asp2211Asn]VKELIPEFFY